The following is an entry in ClinVar:

NM_001040142.2(SCN2A):c.688G>A (p.Val230Ile)

Gene: SCN2A (sodium voltage-gated channel alpha subunit 2; plus strand). Cytogenetic location: 2q24.3.
Variant type: single nucleotide variant.
Coding change: c.688G>A on transcript NM_001040142.2 (MANE Select); coding-DNA position 688, G replaced by A.
Protein change: p.Val230Ile; replaces valine 230 with isoleucine.
Molecular consequence: missense variant. On other transcripts: intron variant (2).
Genome position (GRCh38, 1-based): chr2:165,309,434, G>A. VCF-style: chr2-165309434-G-A. GRCh37 (hg19) VCF-style: chr2-166165944-G-A.
Other names: c.688G>A, p.Val230Ile (NM_001371247.1, NM_021007.3); c.697+178G>A (NM_001040143.2, NM_001371246.1); short protein forms V230I.
Identifiers: ClinVar variation 841876 (VCV000841876.10), dbSNP rs1697315910, ClinGen allele CA349017603.

ClinVar aggregate classification (germline): Uncertain significance (1 of 4 stars; one submission).

Conditions:
Developmental and epileptic encephalopathy, 11 (DEE11). Also called: Early infantile epileptic encephalopathy 11. Identifiers: Orphanet 1934, MedGen C3150987, MONDO:0013388, OMIM 613721.
Seizures, benign familial infantile, 3 (BFIS3). Also called: Familial neonatal seizures; CONVULSIONS, BENIGN FAMILIAL INFANTILE, 3. Identifiers: Orphanet 140927, Orphanet 306, MedGen C1843140, MONDO:0011904, OMIM 607745.

Submission:

Labcorp Genetics (formerly Invitae), Labcorp
Classification: Uncertain significance for Seizures, benign familial infantile, 3; Developmental and epileptic encephalopathy, 11. Last evaluated: 2020-01-27. Review status: criteria provided, single submitter. Criteria: Invitae Variant Classification Sherloc (09022015). Collection method: clinical testing. Allele origin: germline.
Comment: Algorithms developed to predict the effect of missense changes on protein structure and function are either unavailable or do not agree on the potential impact of this missense change (SIFT: "Deleterious"; PolyPhen-2: "Probably Damaging"; Align-GVGD: "Class C0"). In summary, the available evidence is currently insufficient to determine the role of this variant in disease. Therefore, it has been classified as a Variant of Uncertain Significance. This variant has not been reported in the literature in individuals with SCN2A-related conditions. This variant is not present in population databases (ExAC no frequency). This sequence change replaces valine with isoleucine at codon 230 of the SCN2A protein (p.Val230Ile). The valine residue is highly conserved and there is a small physicochemical difference between valine and isoleucine.